The following is an entry in ClinVar:

NM_001040716.2(PC):c.1140C>A (p.Thr380=)

Gene: PC (pyruvate carboxylase; minus strand). Cytogenetic location: 11q13.2.
Variant type: single nucleotide variant.
Coding change: c.1140C>A on transcript NM_001040716.2 (MANE Select); coding-DNA position 1140, C replaced by A.
Protein change: p.Thr380=; no amino-acid change (threonine 380 retained).
Molecular consequence: synonymous variant.
Genome position (GRCh38, 1-based): chr11:66,866,232, G>T on the plus strand (C>A on the coding strand, the complement: PC is on the minus strand). VCF-style: chr11-66866232-G-T. GRCh37 (hg19) VCF-style: chr11-66633703-G-T.
Other names: c.1140C>A, p.Thr380= (NM_000920.4, NM_022172.3).
Identifiers: ClinVar variation 511637 (VCV000511637.1), dbSNP rs369657359, ClinGen allele CA475375709.

ClinVar aggregate classification (germline): Likely benign (1 of 4 stars; one submission).

Submission:

GeneDx
Classification: Likely benign. Last evaluated: 2017-08-23. Review status: criteria provided, single submitter. Criteria: GeneDx Variant Classification (06012015). Collection method: clinical testing. Allele origin: germline. Affected: yes.
Comment: This variant is considered likely benign or benign based on one or more of the following criteria: it is a conservative change, it occurs at a poorly conserved position in the protein, it is predicted to be benign by multiple in silico algorithms, and/or has population frequency not consistent with disease.